The following is an entry in ClinVar:

ClinVar aggregate classification (germline): Conflicting classifications of pathogenicity. Review status: criteria provided, conflicting classifications (1 of 4 stars). 2 submissions from 2 submitters: Uncertain significance (1); Likely benign (1). Last evaluated 2022-05-04.

Allele frequency attached by ClinVar (database versions not stated): TOPMed 0.00001.

Submissions (2):

Labcorp Genetics (formerly Invitae), Labcorp
Classification: Uncertain significance. Last evaluated: 2022-05-04. Review status: criteria provided, single submitter. Criteria: Invitae Variant Classification Sherloc (09022015). Collection method: clinical testing. Allele origin: germline.
Comment: In summary, the available evidence is currently insufficient to determine the role of this variant in disease. Therefore, it has been classified as a Variant of Uncertain Significance. Algorithms developed to predict the effect of missense changes on protein structure and function output the following: SIFT: "Tolerated"; PolyPhen-2: "Benign"; Align-GVGD: "Class C0". The aspartic acid amino acid residue is found in multiple mammalian species, which suggests that this missense change does not adversely affect protein function. This variant has not been reported in the literature in individuals affected with A2ML1-related conditions. This variant is not present in population databases (gnomAD no frequency). This sequence change replaces glutamic acid, which is acidic and polar, with aspartic acid, which is acidic and polar, at codon 932 of the A2ML1 protein (p.Glu932Asp).

Ambry Genetics
Classification: Likely benign. Last evaluated: 2022-03-07. Review status: criteria provided, single submitter. Criteria: Ambry Variant Classification Scheme 2023. Collection method: clinical testing. Allele origin: germline.

NM_144670.6(A2ML1):c.2796G>C (p.Glu932Asp)

Gene: A2ML1 (alpha-2-macroglobulin like 1; plus strand). Cytogenetic location: 12p13.31.
Variant type: single nucleotide variant.
Coding change: c.2796G>C on transcript NM_144670.6 (MANE Select); coding-DNA position 2796, G replaced by C.
Protein change: p.Glu932Asp; replaces glutamic acid 932 with aspartic acid.
Molecular consequence: missense variant.
Genome position (GRCh38, 1-based): chr12:8,855,540, G>C. VCF-style: chr12-8855540-G-C. GRCh37 (hg19) VCF-style: chr12-9008136-G-C.
Other names: c.1323G>C, p.Glu441Asp (NM_001282424.3); short protein forms E441D, E932D.
Identifiers: ClinVar variation 1796095 (VCV001796095.7), dbSNP rs1944034438, ClinGen allele CA383835638.